The following is an entry in ClinVar:

ClinVar aggregate classification (germline): Conflicting classifications of pathogenicity. Review status: criteria provided, conflicting classifications (1 of 4 stars). 4 submissions from 4 submitters: Uncertain significance (1); Likely benign (2). 1 of the submissions does not count toward it. Last evaluated 2022-01-04.

Conditions:
ANKRD31-related disorder. Also called: ANKRD31-related condition.

Allele frequency attached by ClinVar (database versions not stated): 1000 Genomes Project 30x 0.00078; 1000 Genomes Project 0.00080; ExAC 0.00102; gnomAD exomes 0.00153 and 0.00285; TOPMed 0.00159; gnomAD 0.00164 and 0.00168; ESP Exome Variant Server 0.00175.
gnomAD v4.1: 4,143 of 1,536,324 alleles (0.27%); highest among the groups gnomAD compares: Non-Finnish European, 0.34%; 9 homozygotes.

Submissions (4):

Ambry Genetics
Classification: Uncertain significance. Last evaluated: 2022-01-04. Review status: criteria provided, single submitter. Criteria: Ambry Variant Classification Scheme 2023. Collection method: clinical testing. Allele origin: germline.

Labcorp Genetics (formerly Invitae), Labcorp
Classification: Likely benign. Last evaluated: 2018-01-05. Review status: criteria provided, single submitter. Criteria: Invitae Variant Classification Sherloc (09022015). Collection method: clinical testing. Allele origin: germline.

Breakthrough Genomics
Classification: Likely benign. Review status: criteria provided, single submitter. Criteria: ACMG Guidelines, 2015. Collection method: not provided. Allele origin: germline. Inheritance: Unknown mechanism. Affected: yes.

PreventionGenetics, part of Exact Sciences
Classification: Likely benign for ANKRD31-related condition. Last evaluated: 2022-11-17. Review status: no assertion criteria provided. Collection method: clinical testing. Allele origin: germline. Not counted in ClinVar's aggregate classification.
Comment: This variant is classified as likely benign based on ACMG/AMP sequence variant interpretation guidelines (Richards et al. 2015 PMID: 25741868, with internal and published modifications).

NM_001372053.1(ANKRD31):c.1669A>G (p.Thr557Ala)

Gene: ANKRD31 (ankyrin repeat domain 31; minus strand). Cytogenetic location: 5q13.3.
Variant type: single nucleotide variant.
Coding change: c.1669A>G on transcript NM_001372053.1 (MANE Select); coding-DNA position 1669, A replaced by G.
Protein change: p.Thr557Ala; replaces threonine 557 with alanine.
Molecular consequence: missense variant.
Genome position (GRCh38, 1-based): chr5:75,169,017, T>C on the plus strand (A>G on the coding strand, the complement: ANKRD31 is on the minus strand). VCF-style: chr5-75169017-T-C. GRCh37 (hg19) VCF-style: chr5-74464842-T-C.
Other names: c.1669A>G, p.Thr557Ala (NM_001164443.1); short protein forms T557A.
Identifiers: ClinVar variation 714297 (VCV000714297.9), dbSNP rs150791065, ClinGen allele CA3308185.